The following is an entry in ClinVar:

ClinVar aggregate classification (germline): Pathogenic. Review status: criteria provided, multiple submitters, no conflicts (2 of 4 stars). 2 submissions from 2 submitters: Pathogenic (2). Last evaluated 2025-05-01.

Conditions:
RAD50-related disorder. Also called: RAD50-related condition.
Hereditary cancer-predisposing syndrome. Also called: Tumor predisposition; Neoplastic Syndromes, Hereditary; Hereditary Cancer Syndrome; Hereditary neoplastic syndrome. Identifiers: Orphanet 140162, MedGen C0027672, MeSH D009386, MONDO:0015356.

Submissions (2):

PreventionGenetics, part of Exact Sciences
Classification: Pathogenic for RAD50-related condition. Last evaluated: 2025-05-01. Review status: criteria provided, single submitter. Criteria: ACMG Guidelines, 2015. Collection method: clinical testing. Allele origin: germline.
Comment: The RAD50 c.2867dupG variant is predicted to result in a frameshift and premature protein termination (p.Tyr957Leufs*6). To our knowledge, this variant has not been reported in the literature or in a large population database (gnomAD), indicating this variant is rare. This variant is interpreted as pathogenic in ClinVar. Frameshift variants in RAD50 are expected to be pathogenic. This variant is interpreted as pathogenic.

Labcorp Genetics (formerly Invitae), Labcorp
Classification: Pathogenic for Hereditary cancer-predisposing syndrome. Last evaluated: 2021-11-15. Review status: criteria provided, single submitter. Criteria: Invitae Variant Classification Sherloc (09022015). Collection method: clinical testing. Allele origin: germline.
Comment: For these reasons, this variant has been classified as Pathogenic. This variant has not been reported in the literature in individuals affected with RAD50-related conditions. This variant is not present in population databases (gnomAD no frequency). This sequence change creates a premature translational stop signal (p.Tyr957Leufs*6) in the RAD50 gene. It is expected to result in an absent or disrupted protein product. Loss-of-function variants in RAD50 are known to be pathogenic (PMID: 19409520).

Literature cited by the submitters: PubMed 19409520 (cited by Labcorp Genetics (formerly Invitae), Labcorp).

NM_005732.4(RAD50):c.2867dup (p.Tyr957fs)

Gene: RAD50 (RAD50 double strand break repair protein; plus strand). Cytogenetic location: 5q31.1.
Variant type: Duplication.
Coding change: c.2867dup on transcript NM_005732.4 (MANE Select); coding-DNA position 2867, one base duplicated (G; older notation c.2867dupG).
Protein change: p.Tyr957fs; shifts the reading frame from tyrosine 957.
Molecular consequence: frameshift variant.
Genome position (GRCh38, 1-based): chr5:132,609,154, G duplicated; the last of 2 consecutive G bases (chr5:132,609,153-132,609,154); duplicating either gives the same sequence. VCF-style (leftmost placement, unchanged base first): chr5-132609152-T-TG. GRCh37 (hg19) VCF-style: chr5-131944844-T-TG.
Other names: c.2867dupG (NM_005732.3); short protein forms Y957fs.
Identifiers: ClinVar variation 1451291 (VCV001451291.7), dbSNP rs2149849685, ClinGen allele CA2573138985.